The following is an entry in ClinVar:

NM_133497.4(KCNV2):c.166G>A (p.Glu56Lys)

Gene: KCNV2 (potassium voltage-gated channel modifier subfamily V member 2; plus strand). Cytogenetic location: 9p24.2.
Variant type: single nucleotide variant.
Coding change: c.166G>A on transcript NM_133497.4 (MANE Select); coding-DNA position 166, G replaced by A.
Protein change: p.Glu56Lys; replaces glutamic acid 56 with lysine.
Molecular consequence: missense variant.
Genome position (GRCh38, 1-based): chr9:2,717,905, G>A. VCF-style: chr9-2717905-G-A. GRCh37 (hg19) VCF-style: chr9-2717905-G-A.
Other names: c.166G>A (NM_133497.3); short protein forms E56K.
Identifiers: ClinVar variation 1388484 (VCV001388484.10), dbSNP rs766443513, ClinGen allele CA4965343.

ClinVar aggregate classification (germline): Uncertain significance. Review status: criteria provided, multiple submitters, no conflicts (2 of 4 stars). 3 submissions from 3 submitters: Uncertain significance (3). Last evaluated 2025-02-07.

Conditions:
Inborn genetic diseases. Identifiers: MedGen C0950123, MeSH D030342.

Allele frequency attached by ClinVar (database versions not stated): ExAC 0.00001; gnomAD exomes 0.00001; TOPMed 0.00003; gnomAD 0.00004.

Submissions (3):

Ambry Genetics
Classification: Uncertain significance for Inborn genetic diseases. Last evaluated: 2025-02-07. Review status: criteria provided, single submitter. Criteria: Ambry Variant Classification Scheme 2023. Collection method: clinical testing. Allele origin: germline.

Blueprint Genetics
Classification: Uncertain significance. Last evaluated: 2024-11-25. Review status: criteria provided, single submitter. Criteria: ACMG Guidelines, 2015. Collection method: clinical testing. Allele origin: germline.

Labcorp Genetics (formerly Invitae), Labcorp
Classification: Uncertain significance. Last evaluated: 2020-11-02. Review status: criteria provided, single submitter. Criteria: Invitae Variant Classification Sherloc (09022015). Collection method: clinical testing. Allele origin: germline.
Comment: In summary, the available evidence is currently insufficient to determine the role of this variant in disease. Therefore, it has been classified as a Variant of Uncertain Significance. Advanced modeling of protein sequence and biophysical properties (such as structural, functional, and spatial information, amino acid conservation, physicochemical variation, residue mobility, and thermodynamic stability) performed at Invitae indicates that this missense variant is not expected to disrupt KCNV2 protein function. This variant has not been reported in the literature in individuals with KCNV2-related conditions. This variant is present in population databases (rs766443513, ExAC 0.001%). This sequence change replaces glutamic acid with lysine at codon 56 of the KCNV2 protein (p.Glu56Lys). The glutamic acid residue is moderately conserved and there is a small physicochemical difference between glutamic acid and lysine.